The following is an entry in ClinVar:

NM_000257.4(MYH7):c.4135G>A (p.Ala1379Thr)

Gene: MYH7 (myosin heavy chain 7; minus strand). Cytogenetic location: 14q11.2.
Variant type: single nucleotide variant.
Coding change: c.4135G>A on transcript NM_000257.4 (MANE Select); coding-DNA position 4135, G replaced by A.
Protein change: p.Ala1379Thr; replaces alanine 1379 with threonine.
Molecular consequence: missense variant.
Genome position (GRCh38, 1-based): chr14:23,418,244, C>T on the plus strand (G>A on the coding strand, the complement: MYH7 is on the minus strand). VCF-style: chr14-23418244-C-T. GRCh37 (hg19) VCF-style: chr14-23887453-C-T.
Other names: short protein forms A1379T.
Identifiers: ClinVar variation 42993 (VCV000042993.37), dbSNP rs397516202, ClinGen allele CA014503.

ClinVar aggregate classification (germline): Pathogenic/Likely pathogenic. Review status: criteria provided, multiple submitters, no conflicts (2 of 4 stars). 15 submissions from 15 submitters: Pathogenic (13); Likely pathogenic (2). Last evaluated 2026-08-03.

Conditions:
MYH7-related disorder. Also called: MYH7-related disorders; MYH7-related condition; MYH7-related disease.
Cardiovascular phenotype. Identifiers: MedGen CN230736.
Cardiomyopathy (CMYO). Also called: Cardiomyopathies. Identifiers: Orphanet 167848, MedGen C0878544, MONDO:0004994, HP:0001638. Inheritance: Various modes of inheritance.
Hypertrophic cardiomyopathy 1 (CMH1). Also called: Familial hypertrophic cardiomyopathy 1; MYH7-Related Familial Hypertrophic Cardiomyopathy. Identifiers: MedGen C3495498, MONDO:0008647, OMIM 192600.
Primary familial hypertrophic cardiomyopathy (HCM). Identifiers: Orphanet 99739, MedGen C0949658, MeSH D024741, MONDO:0024573. Inheritance: Various modes of inheritance.
Hypertrophic cardiomyopathy. Also called: HYPERTROPHIC MYOCARDIOPATHY. Identifiers: Orphanet 217569, MedGen C0007194, MeSH D002312, MONDO:0005045, HP:0001639.

Allele frequency attached by ClinVar (database versions not stated): gnomAD exomes below 0.00001; gnomAD 0.00001.
gnomAD v4.1: 3 of 1,613,426 alleles (0.00019%); highest among the groups gnomAD compares: Admixed American, 0.0017%; no homozygotes.

Submissions 1 to 10 of 15:

GeneDx
Classification: Pathogenic. Last evaluated: 2026-08-03. Review status: criteria provided, single submitter. Criteria: GeneDx Variant Classification Process June 2021. Collection method: clinical testing. Allele origin: germline.
Comment: Not observed at significant frequency in large population cohorts (gnomAD); In silico analysis supports that this missense variant has a deleterious effect on protein structure/function; This variant is associated with the following publications: (PMID: 25961035, 28166811, 36578016, 30466861, 23283745, 16918501, 11861410, 22199023, 21310275, 12707239, 27532257, 27247418, 28790153, 28615295, 33631351, 33673806, 32894683, 33087929, 36252119, 36264615, 37498360, 37652022, 36243179, 35935646, 34076677, 15136674, 12951062, 37079208, 11861413)

Labcorp Genetics (formerly Invitae), Labcorp
Classification: Pathogenic for Hypertrophic cardiomyopathy. Last evaluated: 2025-11-11. Review status: criteria provided, single submitter. Criteria: Invitae Variant Classification Sherloc (09022015). Collection method: clinical testing. Allele origin: germline.
Comment: This sequence change replaces alanine, which is neutral and non-polar, with threonine, which is neutral and polar, at codon 1379 of the MYH7 protein (p.Ala1379Thr). The frequency data for this variant in the population databases is considered unreliable, as metrics indicate poor data quality at this position in the gnomAD database. This missense change has been observed in individuals with hypertrophic cardiomyopathy (PMID: 11861413, 12707239, 23283745, 27247418, 27532257, 28790153). It has also been observed to segregate with disease in related individuals. ClinVar contains an entry for this variant (Variation ID: 42993). Invitae Evidence Modeling of protein sequence and biophysical properties (such as structural, functional, and spatial information, amino acid conservation, physicochemical variation, residue mobility, and thermodynamic stability) indicates that this missense variant is expected to disrupt MYH7 protein function with a positive predictive value of 95%. For these reasons, this variant has been classified as Pathogenic.

Variantyx, Inc.
Classification: Pathogenic for Hypertrophic cardiomyopathy 1. Last evaluated: 2025-05-19. Review status: criteria provided, single submitter. Criteria: Variantyx Assertion Criteria 2022. Collection method: clinical testing. Allele origin: germline. Inheritance: Autosomal dominant inheritance. Affected: yes.
Comment: This is a nonsynonymous variant in the MYH7 gene (OMIM: 160760). Pathogenic variants in this gene have been associated with autosomal dominant hypertrophic cardiomyopathy 1. This variant has been reported in at least 10 unrelated affected individuals (PMID: 12707239, 27532257, 28790153) (PS4_Moderate) and observed to segregate with disease in at least 14 individuals from 3 families (PMID: 11861413) (PP1). Multiple computational algorithms predict a deleterious effect for this variant (REVEL score: 0.773) (PP3). This variant has a 0.0061% maximum allele frequency in non-founder control populations (PM2). Based on the current evidence, this variant is classified as pathogenic for autosomal dominant hypertrophic cardiomyopathy 1.

Genetic Services Laboratory, University of Chicago
Classification: Likely pathogenic. Last evaluated: 2025-04-16. Review status: criteria provided, single submitter. Criteria: ACMG Guidelines, 2015. Collection method: clinical testing. Allele origin: germline.
Comment: The c.4135G>A variant: Results in an amino acid change, p.Ala1379Thr. Affects a highly conserved amino acid residue located in a domain of the MYH7 protein that is known to be functional. Appears to be deleterious using several in-silico pathogenicity prediction tools. Has been previously described in individuals with hypertrophic cardiomyopathy (PMID: 11861413, 12707239, 23283745, 27247418, 27532257, 28790153, 16918501‚Äö 15136674‚Äö 28615295). Is reported in the gnomAD v4 database with a frequency of 0.00018% (dbSNP rs397516202). ClinVar contains an entry for this variant (Variation ID: 42993). Collectively, this evidence indicates that this variant is pathogenic, however functional studies have not been performed to prove this conclusively.

Color Diagnostics, LLC DBA Color Health
Classification: Pathogenic for Cardiomyopathy. Last evaluated: 2024-12-17. Review status: criteria provided, single submitter. Criteria: ACMG Guidelines, 2015. Collection method: clinical testing. Allele origin: germline.
Comment: This missense variant replaces alanine with threonine at codon 1379 in the LMM domain the MYH7 protein. Computational prediction suggests that this variant may have a deleterious impact on protein structure and function. To our knowledge, functional studies have not been reported for this variant. This variant has been reported in more than 15 individuals affected with hypertrophic cardiomyopathy (PMID: 11861413, 12707239, 23283745, 25132132, 25611685, 27532257, 28408708, 28615295, 28790153, 32894683, 33495597, 33673806, 35470680, 35935646, 36252119, 37498360, 38489124). It has been shown that this variant segregates with disease in multiple affected individuals across multiple families (PMID: 11861413, 28615295). This variant has not been identified in the general population by the Genome Aggregation Database (gnomAD). Based on the available evidence, this variant is classified as Pathogenic.

Institute of Human Genetics, University of Leipzig Medical Center
Classification: Pathogenic for Hypertrophic cardiomyopathy 1. Last evaluated: 2024-12-11. Review status: criteria provided, single submitter. Criteria: ACMG Guidelines, 2015. Collection method: clinical testing. Allele origin: unknown. Inheritance: Autosomal dominant inheritance. Affected: yes.
Comment: Criteria applied: PP1_STR,PS4_MOD,PM5,PM2_SUP,PP3

All of Us Research Program, National Institutes of Health
Classification: Pathogenic for Hypertrophic cardiomyopathy. Last evaluated: 2024-09-27. Review status: criteria provided, single submitter. Criteria: ACMG Guidelines, 2015. Collection method: clinical testing. Allele origin: germline. Inheritance: Autosomal dominant inheritance. Observed: 1 variant allele, 1 heterozygote.
Comment: The c.4135G>A (p.Ala1379Thr) variant in MYH7 gene, that encodes for myosin heavy chain 7, has been identified in multiple unrelated individuals (>18) affected with hypertrophic cardiomyopathy (HCM) and segregated with disease in 15 individuals in three unrelated families (PMID: 28790153, 12707239, 23283745, 27532257,11861413). Computational prediction tools suggest that the p.Ala1379Thr variant may have deleterious effect on the protein function (REVEL score: 0.773). This variant is rare (3/1613426 chromosomes; 0.0001859%) in the general population database, gnomAD (v4.1.0) and interpreted as likely pathogenic/pathogenic by multiple submitters in the ClinVar database (ID: 42993). Therefore, the c.4135G>A (p.Ala1379Thr) variant in the MYH7 gene is classified as pathogenic.

This study involves interpretation of variants in research participants for the purpose of population health screening. Participant phenotype was not available at the time of variant classification. Additional details can be found in publication PMID: 35346344, PMCID: PMC8962531

Blueprint Genetics
Classification: Pathogenic for MYH7-related disorders. Last evaluated: 2023-04-13. Review status: criteria provided, single submitter. Criteria: ACMG Guidelines, 2015. Collection method: clinical testing. Allele origin: germline. Affected: yes. Observed: 5 variant alleles.

Ambry Genetics
Classification: Pathogenic for Cardiovascular phenotype. Last evaluated: 2023-01-25. Review status: criteria provided, single submitter. Criteria: Ambry General Variant Classification Scheme_2022. Collection method: clinical testing. Allele origin: germline.
Comment: The p.A1379T pathogenic mutation (also known as c.4135G>A), located in coding exon 28 of the MYH7 gene, results from a G to A substitution at nucleotide position 4135. The alanine at codon 1379 is replaced by threonine, an amino acid with some similar properties. This variant was reported to segregate with hypertrophic cardiomyopathy (HCM) or related features in multiple individuals across three HCM proband-identified families, and has also been detected in additional HCM cohorts (Blair E et al. Circ Res. 2002;90:263-9; Zou Y et al. Mol Biol Rep. 2013;40:3969-76; Richard P et al. Circulation. 2003;107:2227-32; Walsh R et al. Genet. Med., 2017 Feb;19:192-203). Based on the supporting evidence, this alteration is interpreted as a disease-causing mutation.

Clinical Genetics Laboratory, Skane University Hospital Lund
Classification: Pathogenic. Last evaluated: 2022-07-13. Review status: criteria provided, single submitter. Criteria: ACMG Guidelines, 2015. Collection method: clinical testing. Allele origin: germline. Affected: yes.